The following is an entry in ClinVar:

NM_001165963.4(SCN1A):c.227C>T (p.Pro76Leu)

Gene: SCN1A (sodium voltage-gated channel alpha subunit 1; minus strand). Cytogenetic location: 2q24.3.
Variant type: single nucleotide variant.
Coding change: c.227C>T on transcript NM_001165963.4 (MANE Select); coding-DNA position 227, C replaced by T.
Protein change: p.Pro76Leu; replaces proline 76 with leucine.
Molecular consequence: missense variant. On other transcripts: 5 prime UTR variant (1), non-coding transcript variant (1).
Genome position (GRCh38, 1-based): chr2:166,073,395, G>A on the plus strand (C>T on the coding strand, the complement: SCN1A is on the minus strand). VCF-style: chr2-166073395-G-A. GRCh37 (hg19) VCF-style: chr2-166929905-G-A.
Other names: c.227C>T, p.Pro76Leu (NM_001165964.3, NM_001202435.3, NM_001353948.2 and 10 more transcripts); c.-2199C>T (NM_001353961.2); short protein forms P76L.
Identifiers: ClinVar variation 3634070 (VCV003634070.2).

ClinVar aggregate classification (germline): Likely pathogenic (1 of 4 stars; one submission).

Conditions:
Early-infantile DEE. Also called: Early infantile epileptic encephalopathy; Ohtahara syndrome; Early infantile epileptic encephalopathy with suppression bursts. Identifiers: Orphanet 1934, MedGen C0393706, MONDO:0800491.

gnomAD v4.1: 1 of 1,614,046 alleles (0.000062%); highest among the groups gnomAD compares: East Asian, 0.0022%; no homozygotes.

Submission:

Labcorp Genetics (formerly Invitae), Labcorp
Classification: Likely pathogenic for Early-infantile DEE. Last evaluated: 2024-10-24. Review status: criteria provided, single submitter. Criteria: Invitae Variant Classification Sherloc (09022015). Collection method: clinical testing. Allele origin: germline.
Comment: This sequence change replaces proline, which is neutral and non-polar, with leucine, which is neutral and non-polar, at codon 76 of the SCN1A protein (p.Pro76Leu). This variant is present in population databases (no rsID available, gnomAD 0.006%). This variant has not been reported in the literature in individuals affected with SCN1A-related conditions. Invitae Evidence Modeling of protein sequence and biophysical properties (such as structural, functional, and spatial information, amino acid conservation, physicochemical variation, residue mobility, and thermodynamic stability) indicates that this missense variant is expected to disrupt SCN1A protein function with a positive predictive value of 95%. This variant disrupts the p.Pro76 amino acid residue in SCN1A. Other variant(s) that disrupt this residue have been determined to be pathogenic (PMID: 28012175). This suggests that this residue is clinically significant, and that variants that disrupt this residue are likely to be disease-causing. In summary, the currently available evidence indicates that the variant is pathogenic, but additional data are needed to prove that conclusively. Therefore, this variant has been classified as Likely Pathogenic.

Literature cited by the submitters: PubMed 28012175.